The following is an entry in ClinVar:

NM_023013.4(PRAMEF1):c.762G>C (p.Arg254=)

Gene: PRAMEF1 (PRAME family member 1; plus strand). Cytogenetic location: 1p36.21.
Variant type: single nucleotide variant.
Coding change: c.762G>C on transcript NM_023013.4 (MANE Select); coding-DNA position 762, G replaced by C.
Protein change: p.Arg254=; no amino-acid change (arginine 254 retained).
Molecular consequence: synonymous variant.
Genome position (GRCh38, 1-based): chr1:12,794,389, G>C. VCF-style: chr1-12794389-G-C. GRCh37 (hg19) VCF-style: chr1-12854538-G-C.
Identifiers: ClinVar variation 4083598 (VCV004083598.8).

ClinVar aggregate classification (germline): Likely benign (1 of 4 stars; one submission).

Submission:

CeGaT Center for Human Genetics Tuebingen
Classification: Likely benign. Last evaluated: 2026-05-01. Review status: criteria provided, single submitter. Criteria: CeGaT Center For Human Genetics Tuebingen Variant Classification Criteria Version 2. Collection method: clinical testing. Allele origin: germline. Affected: yes. Observed: 3 variant alleles.
Comment: PRAMEF1: BP4, BP7